The following is an entry in ClinVar:

ClinVar aggregate classification (germline): Uncertain significance. Review status: criteria provided, single submitter (1 of 4 stars). 2 submissions from 2 submitters: Uncertain significance (1). 1 of the submissions does not count toward it. Last evaluated 2022-03-09.

Conditions:
Glycogen storage disease type III (GSD3). Also called: Cori disease; FORBES DISEASE. Identifiers: Orphanet 366, MedGen C0017922, MONDO:0009291, OMIM 232400.

Allele frequency attached by ClinVar (database versions not stated): TOPMed below 0.00001; ExAC 0.00001; gnomAD exomes 0.00001.
gnomAD v4.1: 10 of 1,610,958 alleles (0.00062%); highest among the groups gnomAD compares: South Asian, 0.0099%; no homozygotes.

Submissions (2):

Labcorp Genetics (formerly Invitae), Labcorp
Classification: Uncertain significance for Glycogen storage disease type III. Last evaluated: 2022-03-09. Review status: criteria provided, single submitter. Criteria: Invitae Variant Classification Sherloc (09022015). Collection method: clinical testing. Allele origin: germline.
Comment: This sequence change replaces lysine, which is basic and polar, with arginine, which is basic and polar, at codon 1231 of the AGL protein (p.Lys1231Arg). This variant is present in population databases (rs750507211, gnomAD 0.006%). This variant has not been reported in the literature in individuals affected with AGL-related conditions. ClinVar contains an entry for this variant (Variation ID: 526606). Algorithms developed to predict the effect of missense changes on protein structure and function output the following: SIFT: "Tolerated"; PolyPhen-2: "Benign"; Align-GVGD: "Class C0". The arginine amino acid residue is found in multiple mammalian species, which suggests that this missense change does not adversely affect protein function. Algorithms developed to predict the effect of sequence changes on RNA splicing suggest that this variant may disrupt the consensus splice site. In summary, the available evidence is currently insufficient to determine the role of this variant in disease. Therefore, it has been classified as a Variant of Uncertain Significance.

Natera, Inc.
Classification: Uncertain significance for Glycogen storage disease type III. Last evaluated: 2019-10-28. Review status: no assertion criteria provided. Collection method: clinical testing. Allele origin: germline. Not counted in ClinVar's aggregate classification.

NM_000642.3(AGL):c.3692A>G (p.Lys1231Arg)

Gene: AGL (amylo-alpha-1,6-glucosidase and 4-alpha-glucanotransferase; plus strand). Cytogenetic location: 1p21.2.
Variant type: single nucleotide variant.
Coding change: c.3692A>G on transcript NM_000642.3 (MANE Select); coding-DNA position 3692, A replaced by G.
Protein change: p.Lys1231Arg; replaces lysine 1231 with arginine.
Molecular consequence: missense variant.
Genome position (GRCh38, 1-based): chr1:99,902,786, A>G. VCF-style: chr1-99902786-A-G. GRCh37 (hg19) VCF-style: chr1-100368342-A-G.
Other names: c.3692A>G, p.Lys1231Arg (NM_000028.3, NM_000643.3, NM_000644.3 and 1 more transcripts); c.3644A>G, p.Lys1215Arg (NM_000646.3); c.3671A>G, p.Lys1224Arg (NM_001425326.1); c.3491A>G, p.Lys1164Arg (NM_001425327.1); c.3488A>G, p.Lys1163Arg (NM_001425328.1); c.3353A>G, p.Lys1118Arg (NM_001425329.1); c.3314A>G, p.Lys1105Arg (NM_001425332.1); short protein forms K1231R, K1215R, K1105R, K1118R, K1163R, K1164R, K1224R.
Identifiers: ClinVar variation 526606 (VCV000526606.10), dbSNP rs750507211, ClinGen allele CA967175.
Genomic context (GRCh38, chr1:99,902,786, plus strand): 5'-ACATGCAGGGCATACAGTTCCGAGAAAGGAATGCTGGTCCCCAGATAGATCGAAACATGA[A>G]GGACGAAGGTACAGAACTTTAACTAAAATAGTACAAATTTATCAAGGTGATGAAATTAAA-3'
Protein context (NP_000633.2, residues 1221-1241): NAGPQIDRNM[Lys1231Arg]DEGFNITAGV